The following is an entry in ClinVar:

NM_006939.4(SOS2):c.1042T>G (p.Cys348Gly)

Gene: SOS2 (SOS Ras/Rho guanine nucleotide exchange factor 2; minus strand). Cytogenetic location: 14q21.3.
Variant type: single nucleotide variant.
Coding change: c.1042T>G on transcript NM_006939.4 (MANE Select); coding-DNA position 1042, T replaced by G.
Protein change: p.Cys348Gly; replaces cysteine 348 with glycine.
Molecular consequence: missense variant.
Genome position (GRCh38, 1-based): chr14:50,174,480, A>C on the plus strand (T>G on the coding strand, the complement: SOS2 is on the minus strand). VCF-style: chr14-50174480-A-C. GRCh37 (hg19) VCF-style: chr14-50641198-A-C.
Other names: short protein forms C348G.
Identifiers: ClinVar variation 949552 (VCV000949552.9), dbSNP rs1885462935, ClinGen allele CA389646730.

ClinVar aggregate classification (germline): Uncertain significance (1 of 4 stars; one submission).

Conditions:
Noonan syndrome 9 (NS9). Identifiers: Orphanet 648, MedGen C4225282, MONDO:0014691, OMIM 616559.

Submission:

Labcorp Genetics (formerly Invitae), Labcorp
Classification: Uncertain significance for Noonan syndrome 9. Last evaluated: 2020-03-17. Review status: criteria provided, single submitter. Criteria: Invitae Variant Classification Sherloc (09022015). Collection method: clinical testing. Allele origin: germline.
Comment: In summary, the available evidence is currently insufficient to determine the role of this variant in disease. Therefore, it has been classified as a Variant of Uncertain Significance. Algorithms developed to predict the effect of missense changes on protein structure and function are either unavailable or do not agree on the potential impact of this missense change (SIFT: "Tolerated"; PolyPhen-2: "Probably Damaging"; Align-GVGD: "Class C0"). This variant has not been reported in the literature in individuals with SOS2-related conditions. This variant is not present in population databases (ExAC no frequency). This sequence change replaces cysteine with glycine at codon 348 of the SOS2 protein (p.Cys348Gly). The cysteine residue is moderately conserved and there is a large physicochemical difference between cysteine and glycine.